The following is an entry in ClinVar:

ClinVar aggregate classification (germline): Uncertain significance (1 of 4 stars; one submission).

gnomAD v4.1: 3 of 1,612,826 alleles (0.00019%); highest among the groups gnomAD compares: Non-Finnish European, 0.00025%; no homozygotes.

Submission:

Labcorp Genetics (formerly Invitae), Labcorp
Classification: Uncertain significance. Last evaluated: 2025-08-11. Review status: criteria provided, single submitter. Criteria: Invitae Variant Classification Sherloc (09022015). Collection method: clinical testing. Allele origin: germline.
Comment: This sequence change replaces glutamine, which is neutral and polar, with glutamic acid, which is acidic and polar, at codon 158 of the POLG2 protein (p.Gln158Glu). This variant is not present in population databases (gnomAD no frequency). This variant has not been reported in the literature in individuals affected with POLG2-related conditions. ClinVar contains an entry for this variant (Variation ID: 2801061). An algorithm developed to predict the effect of missense changes on protein structure and function (PolyPhen-2) suggests that this variant is likely to be tolerated. In summary, the available evidence is currently insufficient to determine the role of this variant in disease. Therefore, it has been classified as a Variant of Uncertain Significance.

NM_007215.4(POLG2):c.472C>G (p.Gln158Glu)

Genes: MILR1 (mast cell immunoglobulin like receptor 1; plus strand), POLG2 (DNA polymerase gamma 2, accessory subunit; minus strand). Cytogenetic location: 17q23.3.
Variant type: single nucleotide variant.
Coding change: c.472C>G on transcript NM_007215.4 (MANE Select); coding-DNA position 472, C replaced by G.
Protein change: p.Gln158Glu; replaces glutamine 158 with glutamic acid.
Molecular consequence: missense variant.
Genome position (GRCh38, 1-based): chr17:64,496,497, G>C on the plus strand (C>G on the coding strand, the complement: POLG2 is on the minus strand). VCF-style: chr17-64496497-G-C. GRCh37 (hg19) VCF-style: chr17-62492615-G-C.
Other names: short protein forms Q158E.
Identifiers: ClinVar variation 2801061 (VCV002801061.3), dbSNP rs2144220930, ClinGen allele CA400640865.
Genomic context (GRCh38, chr17:64,496,497, plus strand): 5'-AAGTTTTTAATACGTTCTCAAGAAATGCTACTAGCTGTTCCTTACTCAGCTCTTTGTCTT[G>C]CAAGATTTCGCGTAGAGTTTCTGCAGAAACTAACCTGAAGGCACTGTCCCCGGGTAGCAA-3'
Protein context (NP_009146.2, residues 148-168): VSAETLREIL[Gln158Glu]DKELSKEQLV